The following is an entry in ClinVar:

ClinVar aggregate classification (germline): Benign/Likely benign. Review status: criteria provided, multiple submitters, no conflicts (2 of 4 stars). 5 submissions from 5 submitters: Benign (4); Likely benign (1). Last evaluated 2026-03-23.

Conditions:
Trimethylaminuria (TMAU). Also called: FISH-ODOR SYNDROME; Primary Trimethylaminuria; Fish malodor syndrome; Stale fish syndrome; TMAuria. Identifiers: MedGen C0342739, MONDO:0011182, OMIM 602079, HP:0003614. Disease mechanism: loss of function.

Allele frequency attached by ClinVar (database versions not stated): gnomAD 0.00376; ESP Exome Variant Server 0.00377; TOPMed 0.00433; 1000 Genomes Project 30x 0.00437; 1000 Genomes Project 0.00459.
gnomAD v4.1: 1,102 of 1,605,010 alleles (0.069%); highest among the groups gnomAD compares: African/African-American, 1.3%; 7 homozygotes.

Submissions (5):

Women's Health and Genetics/Laboratory Corporation of America, LabCorp
Classification: Likely benign. Last evaluated: 2026-03-23. Review status: criteria provided, single submitter. Criteria: LabCorp Variant Classification Summary - May 2015. Collection method: clinical testing. Allele origin: germline.

Labcorp Genetics (formerly Invitae), Labcorp
Classification: Benign. Last evaluated: 2026-01-31. Review status: criteria provided, single submitter. Criteria: Invitae Variant Classification Sherloc (09022015). Collection method: clinical testing. Allele origin: germline.

Illumina Laboratory Services, Illumina
Classification: Benign for Trimethylaminuria. Last evaluated: 2018-01-12. Review status: criteria provided, single submitter. Criteria: ICSL Variant Classification Criteria 13 December 2019. Collection method: clinical testing. Allele origin: germline.
Comment: This variant was observed in the ICSL laboratory as part of a predisposition screen in an ostensibly healthy population. It had not been previously curated by ICSL or reported in the Human Gene Mutation Database (HGMD: prior to June 1st, 2018), and was therefore a candidate for classification through an automated scoring system. Utilizing variant allele frequency, disease prevalence and penetrance estimates, and inheritance mode, an automated score was calculated to assess if this variant is too frequent to cause the disease. Based on the score and internal cut-off values, a variant classified as benign is not then subjected to further curation. The score for this variant resulted in a classification of benign for this disease.

Breakthrough Genomics
Classification: Benign. Review status: criteria provided, single submitter. Criteria: ACMG Guidelines, 2015. Collection method: not provided. Allele origin: germline. Inheritance: Autosomal recessive inheritance. Affected: yes.

PreventionGenetics, part of Exact Sciences
Classification: Benign. Review status: criteria provided, single submitter. Criteria: ACMG Guidelines, 2015. Collection method: clinical testing. Allele origin: germline.

NM_001002294.3(FMO3):c.1221T>C (p.Asn407=)

Gene: FMO3 (flavin containing dimethylaniline monoxygenase 3; plus strand). Cytogenetic location: 1q24.3.
Variant type: single nucleotide variant.
Coding change: c.1221T>C on transcript NM_001002294.3 (MANE Select); coding-DNA position 1221, T replaced by C.
Protein change: p.Asn407=; no amino-acid change (asparagine 407 retained).
Molecular consequence: synonymous variant.
Genome position (GRCh38, 1-based): chr1:171,116,245, T>C. VCF-style: chr1-171116245-T-C. GRCh37 (hg19) VCF-style: chr1-171085385-T-C.
Other names: c.1161T>C, p.Asn387= (NM_001319173.2); c.1032T>C, p.Asn344= (NM_001319174.2); c.1221T>C, p.Asn407= (NM_006894.6).
Identifiers: ClinVar variation 260066 (VCV000260066.14), dbSNP rs79553697, ClinGen allele CA1240771.